The following is an entry in ClinVar:

NM_000135.4(FANCA):c.3828+1G>T

Genes: ZNF276 (zinc finger protein 276; plus strand), FANCA (FA complementation group A; minus strand), LOC132090445 (Neanderthal introgressed variant-containing enhancer experimental_46704; plus strand). Cytogenetic location: 16q24.3.
Variant type: single nucleotide variant.
Coding change: c.3828+1G>T on transcript NM_000135.4 (MANE Select); the canonical splice donor site of the intron after coding-DNA position 3828, G replaced by T.
Molecular consequence: splice donor variant. On other transcripts: 3 prime UTR variant (2), non-coding transcript variant (4).
Genome position (GRCh38, 1-based): chr16:89,740,803, C>A on the plus strand (G>T on the coding strand, the complement: FANCA is on the minus strand). VCF-style: chr16-89740803-C-A. GRCh37 (hg19) VCF-style: chr16-89807211-C-A.
Other names: c.*2557C>A (NM_001113525.2, NM_152287.4); c.3828+1G>T (NM_001286167.3, NM_000135.3).
Identifiers: ClinVar variation 974269 (VCV000974269.6), dbSNP rs1432988639, ClinGen allele CA397485125.
Genomic context (GRCh38, chr16:89,740,803, plus strand): 5'-CTGGTGCCCCTGCCTGGCCCACAGTGGGAGAGGACACCTTGGCTGGTAAGGTCTGACTTA[C>A]ATTTGAGGTCAGATGTGACGACAGCAGGCCCATCAAGGAGAAGAAGAAAAGGAAAACCAA-3'

ClinVar aggregate classification (germline): Pathogenic. Review status: criteria provided, multiple submitters, no conflicts (2 of 4 stars). 5 submissions from 5 submitters: Pathogenic (4). 1 of the submissions does not count toward it. Last evaluated 2025-05-08.

Conditions:
Fanconi anemia (FA). Also called: Fanconi's anemia. Identifiers: Orphanet 84, MedGen C0015625, MeSH D005199, MONDO:0019391.
Fanconi anemia complementation group A (FANCA). Also called: Fanconi anemia, group A; FANCA-Related Fanconi Anemia. Identifiers: Orphanet 84, MedGen C3469521, MONDO:0009215, OMIM 227650.

gnomAD v4.1: 5 of 1,612,968 alleles (0.00031%); highest among the groups gnomAD compares: African/African-American, 0.0027%; no homozygotes.

Submissions (5):

Natera, Inc.
Classification: Pathogenic for Fanconi anemia. Last evaluated: 2025-05-08. Review status: criteria provided, single submitter. Criteria: Natera Variant Classification Schema (03/2026). Collection method: clinical testing. Allele origin: germline.
Comment: The c.3828+1G>T variant in FANCA is a canonical splice donor site variant predicted to affect pre-mRNA splicing, which may result in an abnormal transcript and altered protein product. This variant is expected to result in nonsense mediated decay, truncation, or a dysfunctional protein product. This variant is rare in the general population with a frequency below the threshold expected for the associated phenotype(s). This variant has been observed in one or more individuals affected with the associated recessive disease, as either homozygous or compound heterozygous with a second variant (PMID: 21273304, 31586946). Another variant at this same site results in an alteration predicted to cause a similar molecular effect has been observed in individual(s) with the associated phenotype. Given the available evidence, this variant is classified as Pathogenic.

Labcorp Genetics (formerly Invitae), Labcorp
Classification: Pathogenic for Fanconi anemia. Last evaluated: 2024-09-02. Review status: criteria provided, single submitter. Criteria: Invitae Variant Classification Sherloc (09022015). Collection method: clinical testing. Allele origin: germline.
Comment: This sequence change affects a donor splice site in intron 38 of the FANCA gene. It is expected to disrupt RNA splicing. Variants that disrupt the donor or acceptor splice site typically lead to a loss of protein function (PMID: 16199547), and loss-of-function variants in FANCA are known to be pathogenic (PMID: 19367192). This variant is present in population databases (no rsID available, gnomAD 0.01%). Disruption of this splice site has been observed in individual(s) with Fanconi anemia (PMID: 21273304; internal data). In at least one individual the data is consistent with being in trans (on the opposite chromosome) from a pathogenic variant. ClinVar contains an entry for this variant (Variation ID: 974269). Algorithms developed to predict the effect of sequence changes on RNA splicing suggest that this variant may disrupt the consensus splice site. For these reasons, this variant has been classified as Pathogenic.

Fulgent Genetics
Classification: Pathogenic for Fanconi anemia complementation group A. Last evaluated: 2024-02-20. Review status: criteria provided, single submitter. Criteria: ACMG Guidelines, 2015. Collection method: clinical testing. Allele origin: germline.

Baylor Genetics
Classification: Pathogenic for Fanconi anemia complementation group A. Last evaluated: 2023-02-12. Review status: criteria provided, single submitter. Criteria: ACMG Guidelines, 2015. Collection method: clinical testing. Allele origin: unknown.

Leiden Open Variation Database
Classification: Pathogenic for Fanconi anemia complementation group A. Last evaluated: 2020-02-28. Review status: no assertion criteria provided. Collection method: curation. Allele origin: germline. Affected: yes. Not counted in ClinVar's aggregate classification.
Comment: Curator: Arleen D. Auerbach. Submitter to LOVD: Arleen D. Auerbach.

Literature cited by the submitters: PubMed 21273304 (cited by 3 submitters); PubMed 31586946 (cited by Natera, Inc.); PubMed 16199547 (cited by Labcorp Genetics (formerly Invitae), Labcorp); PubMed 19367192 (cited by Labcorp Genetics (formerly Invitae), Labcorp).